The following is an entry in ClinVar:

ClinVar aggregate classification (germline): Uncertain significance (1 of 4 stars; one submission).

Submission:

Labcorp Genetics (formerly Invitae), Labcorp
Classification: Uncertain significance. Last evaluated: 2024-07-06. Review status: criteria provided, single submitter. Criteria: Invitae Variant Classification Sherloc (09022015). Collection method: clinical testing. Allele origin: germline.
Comment: This sequence change replaces serine, which is neutral and polar, with asparagine, which is neutral and polar, at codon 21 of the FGF12 protein (p.Ser21Asn). This variant is not present in population databases (gnomAD no frequency). This variant has not been reported in the literature in individuals affected with FGF12-related conditions. An algorithm developed to predict the effect of missense changes on protein structure and function (PolyPhen-2) suggests that this variant is likely to be tolerated. In summary, the available evidence is currently insufficient to determine the role of this variant in disease. Therefore, it has been classified as a Variant of Uncertain Significance.

NM_004113.6(FGF12):c.14-47624G>A

Gene: FGF12 (fibroblast growth factor 12; minus strand). Cytogenetic location: 3q28.
Variant type: single nucleotide variant.
Coding change: c.14-47624G>A on transcript NM_004113.6 (MANE Select); 47624 bases into the intron before coding-DNA position 14, G replaced by A.
Molecular consequence: intron variant. On other transcripts: missense variant (1).
Genome position (GRCh38, 1-based): chr3:192,408,162, C>T on the plus strand (G>A on the coding strand, the complement: FGF12 is on the minus strand). VCF-style: chr3-192408162-C-T. GRCh37 (hg19) VCF-style: chr3-192125951-C-T.
Other names: c.62G>A, p.Ser21Asn (NM_021032.5); c.-59-47624G>A (NM_001377293.1); c.14-72698G>A (NM_001377292.1); c.-60+1350G>A (NM_001377294.1); short protein forms S21N.
Identifiers: ClinVar variation 3658873 (VCV003658873.2).